The following is an entry in ClinVar:

ClinVar aggregate classification (germline): Uncertain significance (1 of 4 stars; one submission).

Conditions:
BDNF-related disorder. Also called: BDNF-related condition.

gnomAD v4.1: 13 of 1,613,808 alleles (0.00081%); highest among the groups gnomAD compares: African/African-American, 0.016%; no homozygotes.

Submission:

PreventionGenetics, part of Exact Sciences
Classification: Uncertain significance for BDNF-related condition. Last evaluated: 2026-07-06. Review status: criteria provided, single submitter. Criteria: ACMG Guidelines, 2015. Collection method: clinical testing. Allele origin: germline.
Comment: The BDNF c.22T>C variant is predicted to result in the amino acid substitution p.Trp8Arg. To our knowledge, this variant has not been reported in the literature. This variant is reported in 0.0065% of alleles in individuals of African descent in gnomAD. At this time, the clinical significance of this variant is uncertain due to the absence of conclusive functional and genetic evidence.

NM_001709.5(BDNF):c.-22+780T>C

Gene: BDNF (brain derived neurotrophic factor; minus strand). Cytogenetic location: 11p14.1.
Variant type: single nucleotide variant.
Coding change: c.-22+780T>C on transcript NM_001709.5 (MANE Select); 780 bases into the intron after 22 bases upstream of the start codon, T replaced by C.
Molecular consequence: intron variant. On other transcripts: missense variant (1).
Genome position (GRCh38, 1-based): chr11:27,699,384, A>G on the plus strand (T>C on the coding strand, the complement: BDNF is on the minus strand). VCF-style: chr11-27699384-A-G. GRCh37 (hg19) VCF-style: chr11-27720931-A-G.
Other names: c.22T>C, p.Trp8Arg (NM_170734.4); c.3+22028T>C (NM_170731.5); c.-22+21260T>C (NM_001143805.1); c.-22+21045T>C (NM_001143806.1); c.-22+20962T>C (NM_170732.4); c.-22+20127T>C (NM_001143807.2); c.-22+1913T>C (NM_170733.4); c.-22+1597T>C (NM_001143808.2); and 6 more; short protein forms W8R.
Identifiers: ClinVar variation 4981661 (VCV004981661.1).